The following is an entry in ClinVar:

ClinVar aggregate classification (germline): Uncertain significance (1 of 4 stars; one submission).

Conditions:
Hereditary cancer-predisposing syndrome. Also called: Neoplastic Syndromes, Hereditary; Tumor predisposition; Hereditary neoplastic syndrome; Hereditary Cancer Syndrome. Identifiers: Orphanet 140162, MedGen C0027672, MeSH D009386, MONDO:0015356.

gnomAD v4.1: 1 of 1,613,642 alleles (0.000062%); highest among the groups gnomAD compares: Non-Finnish European, 0.000085%; no homozygotes.

Submission:

Ambry Genetics
Classification: Uncertain significance for Hereditary cancer-predisposing syndrome. Last evaluated: 2026-06-20. Review status: criteria provided, single submitter. Criteria: Ambry Variant Classification Scheme 2023. Collection method: clinical testing. Allele origin: germline.
Comment: The p.A713S variant (also known as c.2137G>T), located in coding exon 8 of the MET gene, results from a G to T substitution at nucleotide position 2137. The alanine at codon 713 is replaced by serine, an amino acid with similar properties. This amino acid position is conserved. In addition, this alteration is predicted to be tolerated by in silico analysis. Based on the available evidence, the clinical significance of this variant remains unclear.

NM_000245.4(MET):c.2137G>T (p.Ala713Ser)

Gene: MET (MET proto-oncogene, receptor tyrosine kinase; plus strand). Cytogenetic location: 7q31.2.
Variant type: single nucleotide variant.
Coding change: c.2137G>T on transcript NM_000245.4 (MANE Select); coding-DNA position 2137, G replaced by T.
Protein change: p.Ala713Ser; replaces alanine 713 with serine.
Molecular consequence: missense variant.
Genome position (GRCh38, 1-based): chr7:116,758,493, G>T. VCF-style: chr7-116758493-G-T. GRCh37 (hg19) VCF-style: chr7-116398547-G-T.
Other names: c.2137G>T, p.Ala713Ser (NM_001127500.3, NM_001324401.3); c.847G>T, p.Ala283Ser (NM_001324402.2); short protein forms A283S, A713S.
Identifiers: ClinVar variation 5024326 (VCV005024326.1).